The following is an entry in ClinVar:

ClinVar aggregate classification (germline): Benign. Review status: criteria provided, multiple submitters, no conflicts (2 of 4 stars). 7 submissions from 6 submitters: Benign (7). Last evaluated 2026-02-04.

Conditions:
Autosomal recessive nonsyndromic hearing loss 18A. Also called: DEAFNESS, AUTOSOMAL RECESSIVE 18; Deafness, autosomal recessive 18A. Identifiers: Orphanet 90636, MedGen C1865870, MONDO:0011192, OMIM 602092.
Usher syndrome type 1C. Also called: USHER SYNDROME, TYPE I, ACADIAN VARIETY. Identifiers: Orphanet 231169, Orphanet 886, MedGen C1848604, MONDO:0010171, OMIM 276904.

Allele frequency attached by ClinVar (database versions not stated): gnomAD 0.05274 and 0.05742; TOPMed 0.05486; ESP Exome Variant Server 0.05729; ExAC 0.06848; 1000 Genomes Project 30x 0.08276; 1000 Genomes Project 0.08427.
gnomAD v4.1: 96,111 of 1,612,542 alleles (6%); highest among the groups gnomAD compares: South Asian, 20%; 4,178 homozygotes.

Submissions (7):

Labcorp Genetics (formerly Invitae), Labcorp
Classification: Benign. Last evaluated: 2026-02-04. Review status: criteria provided, single submitter. Criteria: Invitae Variant Classification Sherloc (09022015). Collection method: clinical testing. Allele origin: germline.

Genome-Nilou Lab
Classification: Benign for Usher syndrome type 1C. Last evaluated: 2021-07-10. Review status: criteria provided, single submitter. Criteria: ACMG Guidelines, 2015. Collection method: clinical testing. Allele origin: germline. Affected: no.

Genome-Nilou Lab
Classification: Benign for Autosomal recessive nonsyndromic hearing loss 18A. Last evaluated: 2021-07-10. Review status: criteria provided, single submitter. Criteria: ACMG Guidelines, 2015. Collection method: clinical testing. Allele origin: germline. Affected: no.

Illumina Laboratory Services, Illumina
Classification: Benign for Usher syndrome type 1C. Last evaluated: 2018-01-13. Review status: criteria provided, single submitter. Criteria: ICSL Variant Classification Criteria 13 December 2019. Collection method: clinical testing. Allele origin: germline.
Comment: This variant was observed in the ICSL laboratory as part of a predisposition screen in an ostensibly healthy population. It had not been previously curated by ICSL or reported in the Human Gene Mutation Database (HGMD: prior to June 1st, 2018), and was therefore a candidate for classification through an automated scoring system. Utilizing variant allele frequency, disease prevalence and penetrance estimates, and inheritance mode, an automated score was calculated to assess if this variant is too frequent to cause the disease. Based on the score and internal cut-off values, a variant classified as benign is not then subjected to further curation. The score for this variant resulted in a classification of benign for this disease.

GeneDx
Classification: Benign. Last evaluated: 2013-03-05. Review status: criteria provided, single submitter. Criteria: GeneDx Variant Classification (06012015). Collection method: clinical testing. Allele origin: germline. Affected: yes.
Comment: This variant is considered likely benign or benign based on one or more of the following criteria: it is a conservative change, it occurs at a poorly conserved position in the protein, it is predicted to be benign by multiple in silico algorithms, and/or has population frequency not consistent with disease.

Laboratory for Molecular Medicine, Mass General Brigham Personalized Medicine
Classification: Benign. Last evaluated: 2009-06-24. Review status: criteria provided, single submitter. Criteria: LMM Criteria. Collection method: clinical testing. Allele origin: germline. Observed: 196 variant alleles.

Breakthrough Genomics
Classification: Benign. Review status: criteria provided, single submitter. Criteria: ACMG Guidelines, 2015. Collection method: not provided. Allele origin: germline. Inheritance: Autosomal recessive inheritance. Affected: yes.

NM_153676.4(USH1C):c.2226+12C>T

Gene: USH1C (USH1 protein network component harmonin; minus strand). Cytogenetic location: 11p15.1.
Variant type: single nucleotide variant.
Coding change: c.2226+12C>T on transcript NM_153676.4 (MANE Select); 12 bases into the intron after coding-DNA position 2226, C replaced by T.
Molecular consequence: intron variant.
Genome position (GRCh38, 1-based): chr11:17,501,927, G>A on the plus strand (C>T on the coding strand, the complement: USH1C is on the minus strand). VCF-style: chr11-17501927-G-A. GRCh37 (hg19) VCF-style: chr11-17523474-G-A.
Other names: c.1269+12C>T (NM_001297764.2); c.1326+12C>T (NM_005709.4).
Identifiers: ClinVar variation 47995 (VCV000047995.21), dbSNP rs17703528, ClinGen allele CA142328.